The following is an entry in ClinVar:

NM_001134363.3(RBM20):c.1668G>C (p.Gln556His)

Gene: RBM20 (RNA binding motif protein 20; plus strand). Cytogenetic location: 10q25.2.
Variant type: single nucleotide variant.
Coding change: c.1668G>C on transcript NM_001134363.3 (MANE Select); coding-DNA position 1668, G replaced by C.
Protein change: p.Gln556His; replaces glutamine 556 with histidine.
Molecular consequence: missense variant.
Genome position (GRCh38, 1-based): chr10:110,797,648, G>C. VCF-style: chr10-110797648-G-C. GRCh37 (hg19) VCF-style: chr10-112557406-G-C.
Other names: short protein forms Q556H.
Identifiers: ClinVar variation 3618211 (VCV003618211.2), dbSNP rs794729146.

ClinVar aggregate classification (germline): Uncertain significance (1 of 4 stars; one submission).

Conditions:
Dilated cardiomyopathy 1DD (CMD1DD). Identifiers: Orphanet 154, MedGen C2750995, MONDO:0013168, OMIM 613172.

Submission:

Labcorp Genetics (formerly Invitae), Labcorp
Classification: Uncertain significance for Dilated cardiomyopathy 1DD. Last evaluated: 2024-10-30. Review status: criteria provided, single submitter. Criteria: Invitae Variant Classification Sherloc (09022015). Collection method: clinical testing. Allele origin: germline.
Comment: This sequence change replaces glutamine, which is neutral and polar, with histidine, which is basic and polar, at codon 556 of the RBM20 protein (p.Gln556His). This variant also falls at the last nucleotide of exon 6, which is part of the consensus splice site for this exon. This variant is not present in population databases (gnomAD no frequency). This variant has not been reported in the literature in individuals affected with RBM20-related conditions. An algorithm developed to predict the effect of missense changes on protein structure and function (PolyPhen-2) suggests that this variant is likely to be disruptive. Variants that disrupt the consensus splice site are a relatively common cause of aberrant splicing (PMID: 17576681, 9536098). In summary, the available evidence is currently insufficient to determine the role of this variant in disease. Therefore, it has been classified as a Variant of Uncertain Significance.

Literature cited by the submitters: PubMed 17576681; PubMed 9536098.